The following is an entry in ClinVar:

ClinVar aggregate classification (germline): Uncertain significance. Review status: criteria provided, multiple submitters, no conflicts (2 of 4 stars). 3 submissions from 3 submitters: Uncertain significance (2). 1 of the submissions does not count toward it. Last evaluated 2021-12-21.

Conditions:
Autosomal recessive nonsyndromic hearing loss 77. Identifiers: Orphanet 90636, MedGen C2746083, MONDO:0013119, OMIM 613079.

Allele frequency attached by ClinVar (database versions not stated): TOPMed below 0.00001.

Submissions (3):

Labcorp Genetics (formerly Invitae), Labcorp
Classification: Uncertain significance. Last evaluated: 2021-12-21. Review status: criteria provided, single submitter. Criteria: Invitae Variant Classification Sherloc (09022015). Collection method: clinical testing. Allele origin: germline.
Comment: This sequence change replaces threonine, which is neutral and polar, with isoleucine, which is neutral and non-polar, at codon 1209 of the LOXHD1 protein (p.Thr1209Ile). This variant is not present in population databases (gnomAD no frequency). This variant has not been reported in the literature in individuals affected with LOXHD1-related conditions. ClinVar contains an entry for this variant (Variation ID: 179341). Algorithms developed to predict the effect of missense changes on protein structure and function output the following: SIFT: "Tolerated"; PolyPhen-2: "Benign"; Align-GVGD: "Class C0". The isoleucine amino acid residue is found in multiple mammalian species, which suggests that this missense change does not adversely affect protein function. In summary, the available evidence is currently insufficient to determine the role of this variant in disease. Therefore, it has been classified as a Variant of Uncertain Significance.

Laboratory for Molecular Medicine, Mass General Brigham Personalized Medicine
Classification: Uncertain significance. Last evaluated: 2013-10-18. Review status: criteria provided, single submitter. Criteria: LMM Criteria. Collection method: clinical testing. Allele origin: germline. Observed: 1 variant allele.
Comment: Variant classified as Uncertain Significance - Favor Benign. The Thr1209Ile vari ant in LOXHD1 has not been reported in individuals with hearing loss or in large population studies. The threonine (Thr) at position 1209 is not fully conserved across species with several species including mammals (opossum and wallaby) hav ing an isoleucine (Ile) at this position. In addition, computational analyses (b iochemical amino acid properties, AlignGVGD, PolyPhen2, and SIFT) suggest that t he Thr1209Ile variant may not impact the protein, though this information is not predictive enough to rule out pathogenicity. In summary, the clinical significa nce of this variant cannot be determined with certainty; however based upon the conservation and computational data, we would lean towards a more likely benign role.

Natera, Inc.
Classification: Uncertain significance for Autosomal recessive deafness type 77. Last evaluated: 2020-02-26. Review status: no assertion criteria provided. Collection method: clinical testing. Allele origin: germline. Not counted in ClinVar's aggregate classification.

NM_001384474.1(LOXHD1):c.3626C>T (p.Thr1209Ile)

Gene: LOXHD1 (lipoxygenase homology PLAT domains 1; minus strand). Cytogenetic location: 18q21.1.
Variant type: single nucleotide variant.
Coding change: c.3626C>T on transcript NM_001384474.1 (MANE Select); coding-DNA position 3626, C replaced by T.
Protein change: p.Thr1209Ile; replaces threonine 1209 with isoleucine.
Molecular consequence: missense variant.
Genome position (GRCh38, 1-based): chr18:46,542,849, G>A on the plus strand (C>T on the coding strand, the complement: LOXHD1 is on the minus strand). VCF-style: chr18-46542849-G-A. GRCh37 (hg19) VCF-style: chr18-44122812-G-A.
Other names: c.293C>T, p.Thr98Ile (NM_001145472.3); c.5C>T, p.Thr2Ile (NM_001308013.2); c.3626C>T, p.Thr1209Ile (NM_144612.7); short protein forms T1209I, T2I, T98I.
Identifiers: ClinVar variation 179341 (VCV000179341.10), dbSNP rs727504804, ClinGen allele CA184230.